The following is an entry in ClinVar:

ClinVar aggregate classification (germline): Likely benign. Review status: criteria provided, multiple submitters, no conflicts (2 of 4 stars). 3 submissions from 3 submitters: Likely benign (3). Last evaluated 2023-04-10.

Conditions:
RYR1-related disorder. Also called: RYR1-related condition; RYR1-related disorders. Identifiers: MedGen CN239331.
Malignant hyperthermia, susceptibility to, 1 (MHS1). Also called: Malignant hyperthermia suceptibility 1; Anesthesia related hyperthermia; Malignant hyperpyrexia; Fulminating hyperpyrexia; Pharmacogenic myopathy; RYR1-Related Malignant Hyperthermia Susceptibility. Identifiers: Orphanet 423, MedGen C2930980, MONDO:0007783, OMIM 145600.

gnomAD v4.1: 2 of 1,614,042 alleles (0.00012%); highest among the groups gnomAD compares: Non-Finnish European, 0.00017%; no homozygotes.

Submissions (3):

All of Us Research Program, National Institutes of Health
Classification: Likely benign for Malignant hyperthermia, susceptibility to, 1. Last evaluated: 2023-04-10. Review status: criteria provided, single submitter. Criteria: ACMG Guidelines, 2015. Collection method: clinical testing. Allele origin: germline. Inheritance: Autosomal dominant inheritance. Observed: 1 variant allele, 1 heterozygote.
Comment: This study involves interpretation of variants in research participants for the purpose of population health screening. Participant phenotype was not available at the time of variant classification. Additional details can be found in publication PMID: 35346344, PMCID: PMC8962531

Labcorp Genetics (formerly Invitae), Labcorp
Classification: Likely benign for RYR1-related disorder. Last evaluated: 2023-02-23. Review status: criteria provided, single submitter. Criteria: Invitae Variant Classification Sherloc (09022015). Collection method: clinical testing. Allele origin: germline.

Color Diagnostics, LLC DBA Color Health
Classification: Likely benign for Malignant hyperthermia, susceptibility to, 1. Last evaluated: 2022-11-06. Review status: criteria provided, single submitter. Criteria: ACMG Guidelines, 2015. Collection method: clinical testing. Allele origin: germline.

NM_000540.3(RYR1):c.6171C>T (p.Thr2057=)

Gene: RYR1 (ryanodine receptor 1; plus strand). Cytogenetic location: 19q13.2.
Variant type: single nucleotide variant.
Coding change: c.6171C>T on transcript NM_000540.3 (MANE Select); coding-DNA position 6171, C replaced by T.
Protein change: p.Thr2057=; no amino-acid change (threonine 2057 retained).
Molecular consequence: synonymous variant.
Genome position (GRCh38, 1-based): chr19:38,492,533, C>T. VCF-style: chr19-38492533-C-T. GRCh37 (hg19) VCF-style: chr19-38983173-C-T.
Other names: c.6171C>T, p.Thr2057= (NM_001042723.2).
Identifiers: ClinVar variation 2774217 (VCV002774217.6), dbSNP rs1197775066, ClinGen allele CA507241422.